The following is an entry in ClinVar:

ClinVar aggregate classification (germline): Uncertain significance (1 of 4 stars; one submission).

Conditions:
Alstrom syndrome (ALMS). Identifiers: Orphanet 64, MedGen C0268425, MONDO:0008763, OMIM 203800.

Submission:

Labcorp Genetics (formerly Invitae), Labcorp
Classification: Uncertain significance for Alstrom syndrome. Last evaluated: 2024-10-29. Review status: criteria provided, single submitter. Criteria: Invitae Variant Classification Sherloc (09022015). Collection method: clinical testing. Allele origin: germline.
Comment: This sequence change replaces lysine, which is basic and polar, with asparagine, which is neutral and polar, at codon 3951 of the ALMS1 protein (p.Lys3951Asn). This variant is not present in population databases (gnomAD no frequency). This variant has not been reported in the literature in individuals affected with ALMS1-related conditions. ClinVar contains an entry for this variant (Variation ID: 2888774). Experimental studies and prediction algorithms are not available or were not evaluated, and the functional significance of this variant is currently unknown. In summary, the available evidence is currently insufficient to determine the role of this variant in disease. Therefore, it has been classified as a Variant of Uncertain Significance.

NM_001378454.1(ALMS1):c.11850G>T (p.Lys3950Asn)

Gene: ALMS1 (ALMS1 centrosome and basal body associated protein; plus strand). Cytogenetic location: 2p13.1.
Variant type: single nucleotide variant.
Coding change: c.11850G>T on transcript NM_001378454.1 (MANE Select); coding-DNA position 11850, G replaced by T.
Protein change: p.Lys3950Asn; replaces lysine 3950 with asparagine.
Molecular consequence: missense variant.
Genome position (GRCh38, 1-based): chr2:73,600,859, G>T. VCF-style: chr2-73600859-G-T. GRCh37 (hg19) VCF-style: chr2-73827986-G-T.
Other names: c.11853G>T, p.Lys3951Asn (NM_015120.4); short protein forms K3951N, K3950N.
Identifiers: ClinVar variation 2888774 (VCV002888774.3), dbSNP rs2466520711, ClinGen allele CA347265058.